The following is an entry in ClinVar:

ClinVar aggregate classification (germline): Pathogenic. Review status: criteria provided, multiple submitters, no conflicts (2 of 4 stars). 2 submissions from 2 submitters: Pathogenic (2). Last evaluated 2024-05-08.

Conditions:
X-linked Alport syndrome (ATS1). Also called: COL4A5-Related Nephropathy; NEPHROPATHY AND DEAFNESS, X-LINKED. Identifiers: Orphanet 63, Orphanet 88917, MedGen C4746986, MONDO:0010520, OMIM 301050.

Submissions (2):

Myriad Genetics, Inc.
Classification: Pathogenic for X-linked Alport syndrome. Last evaluated: 2024-05-08. Review status: criteria provided, single submitter. Criteria: Myriad Autosomal Dominant, Autosomal Recessive and X-Linked Classification Criteria (2023). Collection method: clinical testing. Allele origin: unknown.
Comment: NM_000495.4(COL4A5):c.1276G>T(G426*) is expected to be pathogenic in the context of X-linked Alport syndrome. This variant is predicted to lead to an abnormal or absent protein product due to the creation of a premature termination codon in COL4A5, a gene where loss-of-function variants are known to be pathogenic. Please note: this variant was assessed in the context of healthy population screening.

Labcorp Genetics (formerly Invitae), Labcorp
Classification: Pathogenic. Last evaluated: 2019-12-17. Review status: criteria provided, single submitter. Criteria: Invitae Variant Classification Sherloc (09022015). Collection method: clinical testing. Allele origin: germline.
Comment: For these reasons, this variant has been classified as Pathogenic. Loss-of-function variants in COL4A5 are known to be pathogenic (PMID: 9195222, 10752524, 14514738, 24854265, 26809805). This variant has not been reported in the literature in individuals with COL4A5-related conditions. This variant is not present in population databases (ExAC no frequency). This sequence change creates a premature translational stop signal (p.Gly426*) in the COL4A5 gene. It is expected to result in an absent or disrupted protein product.

Literature cited by the submitters: PubMed 9195222 (cited by Labcorp Genetics (formerly Invitae), Labcorp); PubMed 10752524 (cited by Labcorp Genetics (formerly Invitae), Labcorp); PubMed 14514738 (cited by Labcorp Genetics (formerly Invitae), Labcorp); PubMed 24854265 (cited by Labcorp Genetics (formerly Invitae), Labcorp); PubMed 26809805 (cited by Labcorp Genetics (formerly Invitae), Labcorp).

NM_033380.3(COL4A5):c.1276G>T (p.Gly426Ter)

Gene: COL4A5 (collagen type IV alpha 5 chain; plus strand). Cytogenetic location: Xq22.3.
Variant type: single nucleotide variant.
Coding change: c.1276G>T on transcript NM_033380.3 (MANE Select); coding-DNA position 1276, G replaced by T.
Protein change: p.Gly426Ter; replaces glycine 426 with a stop codon.
Molecular consequence: nonsense.
Genome position (GRCh38, 1-based): chrX:108,591,168, G>T. VCF-style: chrX-108591168-G-T. GRCh37 (hg19) VCF-style: chrX-107834398-G-T.
Other names: c.1276G>T, p.Gly426Ter (NM_000495.5); short protein forms G426*.
Identifiers: ClinVar variation 848823 (VCV000848823.8), dbSNP rs104886111, ClinGen allele CA413932856.
Genomic context (GRCh38, chrX:108,591,168, plus strand): 5'-GGTCAGAAAGGTGATGAAGGACCACCTGGAATTTCCATTCCTGGACCTCCTGGACTTGAC[G>T]GACAGCCTGGGGCTCCTGGGCTTCCAGGGCCTCCTGGCCCTGCTGGCCCTCACATTCCTC-3'